The following is an entry in ClinVar:

ClinVar aggregate classification (germline): Uncertain significance (1 of 4 stars; one submission).

Conditions:
Congenital myasthenic syndrome 8. Also called: MYASTHENIC SYNDROME, CONGENITAL, DUE TO AGRIN DEFICIENCY; Myasthenic syndrome, congenital, 8, with pre- and postsynaptic defects. Identifiers: Orphanet 590, MedGen C3808739, MONDO:0014052, OMIM 615120.

gnomAD v4.1: 3 of 1,555,718 alleles (0.00019%); highest among the groups gnomAD compares: Non-Finnish European, 0.00026%; no homozygotes.

Submission:

Labcorp Genetics (formerly Invitae), Labcorp
Classification: Uncertain significance for Congenital myasthenic syndrome 8. Last evaluated: 2018-08-03. Review status: criteria provided, single submitter. Criteria: Invitae Variant Classification Sherloc (09022015). Collection method: clinical testing. Allele origin: germline.
Comment: In summary, the available evidence is currently insufficient to determine the role of this variant in disease. Therefore, it has been classified as a Variant of Uncertain Significance. Algorithms developed to predict the effect of missense changes on protein structure and function (SIFT, PolyPhen-2, Align-GVGD) all suggest that this variant is likely to be tolerated, but these predictions have not been confirmed by published functional studies and their clinical significance is uncertain. This variant has not been reported in the literature in individuals with AGRN-related disease. While this variant is not present in population databases, the frequency information is unreliable, as metrics indicate poor data quality at this position in the ExAC database. This sequence change replaces arginine with serine at codon 1429 of the AGRN protein (p.Arg1429Ser). The arginine residue is weakly conserved and there is a moderate physicochemical difference between arginine and serine.

NM_198576.4(AGRN):c.4285C>A (p.Arg1429Ser)

Gene: AGRN (agrin; plus strand). Cytogenetic location: 1p36.33.
Variant type: single nucleotide variant.
Coding change: c.4285C>A on transcript NM_198576.4 (MANE Select); coding-DNA position 4285, C replaced by A.
Protein change: p.Arg1429Ser; replaces arginine 1429 with serine.
Molecular consequence: missense variant.
Genome position (GRCh38, 1-based): chr1:1,049,046, C>A. VCF-style: chr1-1049046-C-A. GRCh37 (hg19) VCF-style: chr1-984426-C-A.
Other names: c.4285C>A, p.Arg1429Ser (NM_001305275.2); c.3970C>A, p.Arg1324Ser (NM_001364727.2); short protein forms R1429S, R1324S.
Identifiers: ClinVar variation 652362 (VCV000652362.6), dbSNP rs201346452, ClinGen allele CA337777022.